The following is an entry in ClinVar:

NM_000264.5(PTCH1):c.1549C>T (p.Leu517Phe)

Gene: PTCH1 (patched 1; minus strand). Cytogenetic location: 9q22.32.
Variant type: single nucleotide variant.
Coding change: c.1549C>T on transcript NM_000264.5 (MANE Select); coding-DNA position 1549, C replaced by T.
Protein change: p.Leu517Phe; replaces leucine 517 with phenylalanine.
Molecular consequence: missense variant. On other transcripts: non-coding transcript variant (1).
Genome position (GRCh38, 1-based): chr9:95,476,812, G>A on the plus strand (C>T on the coding strand, the complement: PTCH1 is on the minus strand). VCF-style: chr9-95476812-G-A. GRCh37 (hg19) VCF-style: chr9-98239094-G-A.
Other names: c.1351C>T, p.Leu451Phe (NM_001083602.3); c.1546C>T, p.Leu516Phe (NM_001083603.3); c.1096C>T, p.Leu366Phe (NM_001083604.3, NM_001083605.3, NM_001083606.3 and 1 more transcripts); c.1393C>T, p.Leu465Phe (NM_001354918.2); short protein forms L366F, L465F, L517F, L451F, L516F.
Identifiers: ClinVar variation 1364054 (VCV001364054.10), dbSNP rs2118283054, ClinGen allele CA374118262.

ClinVar aggregate classification (germline): Uncertain significance. Review status: criteria provided, multiple submitters, no conflicts (2 of 4 stars). 2 submissions from 2 submitters: Uncertain significance (2). Last evaluated 2025-02-12.

Conditions:
Gorlin syndrome. Also called: Basal cell nevus syndrome; Nevoid Basal Cell Carcinoma Syndrome. Identifiers: Orphanet 377, MedGen C0004779, MONDO:0007187.
Hereditary cancer-predisposing syndrome. Also called: Hereditary Cancer Syndrome; Hereditary neoplastic syndrome; Tumor predisposition; Neoplastic Syndromes, Hereditary. Identifiers: Orphanet 140162, MedGen C0027672, MeSH D009386, MONDO:0015356.

Submissions (2):

Labcorp Genetics (formerly Invitae), Labcorp
Classification: Uncertain significance for Gorlin syndrome. Last evaluated: 2025-02-12. Review status: criteria provided, single submitter. Criteria: Invitae Variant Classification Sherloc (09022015). Collection method: clinical testing. Allele origin: germline.
Comment: This sequence change replaces leucine, which is neutral and non-polar, with phenylalanine, which is neutral and non-polar, at codon 517 of the PTCH1 protein (p.Leu517Phe). This variant is not present in population databases (gnomAD no frequency). This variant has not been reported in the literature in individuals affected with PTCH1-related conditions. ClinVar contains an entry for this variant (Variation ID: 1364054). Invitae Evidence Modeling of protein sequence and biophysical properties (such as structural, functional, and spatial information, amino acid conservation, physicochemical variation, residue mobility, and thermodynamic stability) has been performed for this missense variant. However, the output from this modeling did not meet the statistical confidence thresholds required to predict the impact of this variant on PTCH1 protein function. In summary, the available evidence is currently insufficient to determine the role of this variant in disease. Therefore, it has been classified as a Variant of Uncertain Significance.

Ambry Genetics
Classification: Uncertain significance for Hereditary cancer-predisposing syndrome. Last evaluated: 2022-08-04. Review status: criteria provided, single submitter. Criteria: Ambry Variant Classification Scheme 2023. Collection method: clinical testing. Allele origin: germline.
Comment: The p.L517F variant (also known as c.1549C>T), located in coding exon 11 of the PTCH1 gene, results from a C to T substitution at nucleotide position 1549. The leucine at codon 517 is replaced by phenylalanine, an amino acid with highly similar properties. This amino acid position is conserved. In addition, this alteration is predicted to be deleterious by in silico analysis. Since supporting evidence is limited at this time, the clinical significance of this alteration remains unclear.